The following is an entry in ClinVar:

ClinVar aggregate classification (germline): Uncertain significance. Review status: criteria provided, multiple submitters, no conflicts (2 of 4 stars). 2 submissions from 2 submitters: Uncertain significance (2). Last evaluated 2024-08-25.

Conditions:
Cardiovascular phenotype. Identifiers: MedGen CN230736.
Dilated cardiomyopathy 1JJ (CMD1JJ). Identifiers: Orphanet 154, MedGen C3808935, MONDO:0014095, OMIM 615235.

Allele frequency attached by ClinVar (database versions not stated): gnomAD exomes below 0.00001; TOPMed below 0.00001.
gnomAD v4.1: 2 of 1,614,178 alleles (0.00012%); highest among the groups gnomAD compares: Non-Finnish European, 0.00017%; no homozygotes.

Submissions (2):

Ambry Genetics
Classification: Uncertain significance for Cardiovascular phenotype. Last evaluated: 2024-08-25. Review status: criteria provided, single submitter. Criteria: Ambry Variant Classification Scheme 2023. Collection method: clinical testing. Allele origin: germline.
Comment: The p.Q726R variant (also known as c.2177A>G), located in coding exon 17 of the LAMA4 gene, results from an A to G substitution at nucleotide position 2177. The glutamine at codon 726 is replaced by arginine, an amino acid with highly similar properties. This amino acid position is conserved. In addition, this alteration is predicted to be tolerated by in silico analysis. Based on the available evidence, the clinical significance of this variant remains unclear.

Labcorp Genetics (formerly Invitae), Labcorp
Classification: Uncertain significance for Dilated cardiomyopathy 1JJ. Last evaluated: 2021-10-06. Review status: criteria provided, single submitter. Criteria: Invitae Variant Classification Sherloc (09022015). Collection method: clinical testing. Allele origin: germline.
Comment: Algorithms developed to predict the effect of missense changes on protein structure and function (SIFT, PolyPhen-2, Align-GVGD) all suggest that this variant is likely to be tolerated. This variant has not been reported in the literature in individuals affected with LAMA4-related conditions. This variant is not present in population databases (ExAC no frequency). This sequence change replaces glutamine with arginine at codon 726 of the LAMA4 protein (p.Gln726Arg). The glutamine residue is highly conserved and there is a small physicochemical difference between glutamine and arginine. In summary, the available evidence is currently insufficient to determine the role of this variant in disease. Therefore, it has been classified as a Variant of Uncertain Significance.

NM_001105206.3(LAMA4):c.2198A>G (p.Gln733Arg)

Gene: LAMA4 (laminin subunit alpha 4; minus strand). Cytogenetic location: 6q21.
Variant type: single nucleotide variant.
Coding change: c.2198A>G on transcript NM_001105206.3 (MANE Select); coding-DNA position 2198, A replaced by G.
Protein change: p.Gln733Arg; replaces glutamine 733 with arginine.
Molecular consequence: missense variant.
Genome position (GRCh38, 1-based): chr6:112,148,312, T>C on the plus strand (A>G on the coding strand, the complement: LAMA4 is on the minus strand). VCF-style: chr6-112148312-T-C. GRCh37 (hg19) VCF-style: chr6-112469514-T-C.
Other names: c.2177A>G (NM_002290.3); c.2177A>G, p.Gln726Arg (NM_001105207.3, NM_002290.5); short protein forms Q726R, Q733R.
Identifiers: ClinVar variation 1380146 (VCV001380146.7), dbSNP rs1780159275, ClinGen allele CA365383736.